The following is an entry in ClinVar:

ClinVar aggregate classification (germline): Uncertain significance (1 of 4 stars; one submission).

gnomAD v4.1: 7 of 1,611,998 alleles (0.00043%); highest among the groups gnomAD compares: East Asian, 0.013%; no homozygotes.

Submission:

GeneDx
Classification: Uncertain significance. Last evaluated: 2025-01-23. Review status: criteria provided, single submitter. Criteria: GeneDx Variant Classification Process June 2021. Collection method: clinical testing. Allele origin: germline. Affected: yes.
Comment: In silico analysis supports a deleterious effect on splicing; Has not been previously published as pathogenic or benign to our knowledge

NM_213622.4(STAMBP):c.1272A>G (p.Arg424=)

Gene: STAMBP (STAM binding protein; plus strand). Cytogenetic location: 2p13.1.
Variant type: single nucleotide variant.
Coding change: c.1272A>G on transcript NM_213622.4 (MANE Select); coding-DNA position 1272, A replaced by G.
Protein change: p.Arg424=; no amino-acid change (arginine 424 retained).
Molecular consequence: synonymous variant. On other transcripts: 3 prime UTR variant (3), non-coding transcript variant (4).
Genome position (GRCh38, 1-based): chr2:73,862,256, A>G. VCF-style: chr2-73862256-A-G. GRCh37 (hg19) VCF-style: chr2-74089383-A-G.
Other names: c.1272A>G, p.Arg424= (NM_001353967.2, NM_001353968.2, NM_006463.6 and 1 more transcripts); c.*95A>G (NM_001353969.2, NM_001353970.2, NM_001353976.2); c.867A>G, p.Arg289= (NM_001353971.2, NM_001353972.2, NM_001353973.2 and 2 more transcripts).
Identifiers: ClinVar variation 4071624 (VCV004071624.1).